The following is an entry in ClinVar:

ClinVar aggregate classification (germline): Conflicting classifications of pathogenicity. Review status: criteria provided, conflicting classifications (1 of 4 stars). 2 submissions from 2 submitters: Uncertain significance (1); Likely benign (1). Last evaluated 2025-03-10.

Conditions:
Inborn genetic diseases. Identifiers: MedGen C0950123, MeSH D030342.

Allele frequency attached by ClinVar (database versions not stated): gnomAD 0.00001; gnomAD exomes 0.00003 and 0.00007; ExAC 0.00004; TOPMed 0.00004; ESP Exome Variant Server 0.00008.
gnomAD v4.1: 90 of 1,536,236 alleles (0.0059%); highest among the groups gnomAD compares: Non-Finnish European, 0.0077%; no homozygotes.

Submissions (2):

Labcorp Genetics (formerly Invitae), Labcorp
Classification: Likely benign. Last evaluated: 2025-03-10. Review status: criteria provided, single submitter. Criteria: Invitae Variant Classification Sherloc (09022015). Collection method: clinical testing. Allele origin: germline.

Ambry Genetics
Classification: Uncertain significance for Inborn genetic diseases. Last evaluated: 2022-05-06. Review status: criteria provided, single submitter. Criteria: Ambry Variant Classification Scheme 2023. Collection method: clinical testing. Allele origin: germline.
Comment: The c.509-6T>C intronic alteration consists of a T to C substitution 6 nucleotides before exon 5 (coding exon 4) of the TMTC3 gene. Based on insufficient or conflicting evidence, the clinical significance of this alteration remains unclear.

NM_181783.4(TMTC3):c.509-6T>C

Gene: TMTC3 (transmembrane O-mannosyltransferase targeting cadherins 3; plus strand). Cytogenetic location: 12q21.32.
Variant type: single nucleotide variant.
Coding change: c.509-6T>C on transcript NM_181783.4 (MANE Select); 6 bases into the intron before coding-DNA position 509, T replaced by C.
Molecular consequence: intron variant.
Genome position (GRCh38, 1-based): chr12:88,160,108, T>C. VCF-style: chr12-88160108-T-C. GRCh37 (hg19) VCF-style: chr12-88553885-T-C.
Other names: c.290-6T>C (NM_001366579.1); c.329-6T>C (NM_001366574.1); c.242-6T>C (NM_001366580.1); c.-185-6T>C (NM_001366583.1); c.509-6T>C (NM_181783.3).
Identifiers: ClinVar variation 1559253 (VCV001559253.9), dbSNP rs375722916, ClinGen allele CA6713074.